The following is an entry in ClinVar:

NM_003482.4(KMT2D):c.6983A>T (p.Lys2328Ile)

Gene: KMT2D (lysine methyltransferase 2D; minus strand). Cytogenetic location: 12q13.12.
Variant type: single nucleotide variant.
Coding change: c.6983A>T on transcript NM_003482.4 (MANE Select); coding-DNA position 6983, A replaced by T.
Protein change: p.Lys2328Ile; replaces lysine 2328 with isoleucine.
Molecular consequence: missense variant.
Genome position (GRCh38, 1-based): chr12:49,040,787, T>A on the plus strand (A>T on the coding strand, the complement: KMT2D is on the minus strand). VCF-style: chr12-49040787-T-A. GRCh37 (hg19) VCF-style: chr12-49434570-T-A.
Other names: short protein forms K2328I.
Identifiers: ClinVar variation 3635140 (VCV003635140.2).

ClinVar aggregate classification (germline): Uncertain significance (1 of 4 stars; one submission).

Conditions:
Kabuki syndrome. Also called: NIIKAWA-KUROKI SYNDROME; Kabuki make-up syndrome. Identifiers: Orphanet 2322, MedGen C0796004, MONDO:0016512.

Submission:

Labcorp Genetics (formerly Invitae), Labcorp
Classification: Uncertain significance for Kabuki syndrome. Last evaluated: 2024-07-31. Review status: criteria provided, single submitter. Criteria: Invitae Variant Classification Sherloc (09022015). Collection method: clinical testing. Allele origin: germline.
Comment: This sequence change replaces lysine, which is basic and polar, with isoleucine, which is neutral and non-polar, at codon 2328 of the KMT2D protein (p.Lys2328Ile). This variant is not present in population databases (gnomAD no frequency). This variant has not been reported in the literature in individuals affected with KMT2D-related conditions. Advanced modeling of protein sequence and biophysical properties (such as structural, functional, and spatial information, amino acid conservation, physicochemical variation, residue mobility, and thermodynamic stability) has been performed at Invitae for this missense variant, however the output from this modeling did not meet the statistical confidence thresholds required to predict the impact of this variant on KMT2D protein function. In summary, the available evidence is currently insufficient to determine the role of this variant in disease. Therefore, it has been classified as a Variant of Uncertain Significance.